The following is an entry in ClinVar:

NM_022051.2(EGLN1):c.-2456A>G

Gene: EGLN1 (egl-9 family hypoxia inducible factor 1; minus strand). Cytogenetic location: 1q42.2.
Variant type: single nucleotide variant.
Coding change: c.-2456A>G on transcript NM_022051.2; 2456 bases upstream of the start codon, A replaced by G.
Genome position (GRCh38, 1-based): chr1:231,424,344, T>C on the plus strand (A>G on the coding strand, the complement: EGLN1 is on the minus strand). VCF-style: chr1-231424344-T-C. GRCh37 (hg19) VCF-style: chr1-231560090-T-C.
Identifiers: ClinVar variation 296237 (VCV000296237.7), dbSNP rs541100189, ClinGen allele CA10610357.
Genomic context (GRCh38, chr1:231,424,344, plus strand): 5'-AATTATTTACATCTCTATATGCTCTACTCATATATTTTCATTGAAGTTTACTTAAAAGAA[T>C]AGATGTCCATATCAAAACCTTTATTAGCTTTCTTGTTCCAATTAAGTATACAAAATCACA-3'

ClinVar aggregate classification (germline): Benign (1 of 4 stars; one submission).

Conditions:
Erythrocytosis, familial, 3 (ECYT3). Identifiers: Orphanet 247511, MedGen C1853286, MONDO:0012353, OMIM 609820.

Allele frequency attached by ClinVar (database versions not stated): gnomAD 0.00084 and 0.00152; 1000 Genomes Project 0.00619; TOPMed 0.00093; 1000 Genomes Project 30x 0.00515.

Submission:

Illumina Laboratory Services, Illumina
Classification: Benign for Erythrocytosis, familial, 3. Last evaluated: 2018-01-12. Review status: criteria provided, single submitter. Criteria: ICSL Variant Classification Criteria 13 December 2019. Collection method: clinical testing. Allele origin: germline.
Comment: This variant was observed in the ICSL laboratory as part of a predisposition screen in an ostensibly healthy population. It had not been previously curated by ICSL or reported in the Human Gene Mutation Database (HGMD: prior to June 1st, 2018), and was therefore a candidate for classification through an automated scoring system. Utilizing variant allele frequency, disease prevalence and penetrance estimates, and inheritance mode, an automated score was calculated to assess if this variant is too frequent to cause the disease. Based on the score and internal cut-off values, a variant classified as benign is not then subjected to further curation. The score for this variant resulted in a classification of benign for this disease.